The following is an entry in ClinVar:

ClinVar aggregate classification (germline): Benign (1 of 4 stars; one submission).

Allele frequency attached by ClinVar (database versions not stated): gnomAD 0.01481 and 0.01591; 1000 Genomes Project 0.01657; TOPMed 0.01699; 1000 Genomes Project 30x 0.01733.
gnomAD v4.1: 2,232 of 152,148 alleles (1.5%); highest among the groups gnomAD compares: African/African-American, 5.1%; 64 homozygotes.

Submission:

GeneDx
Classification: Benign. Last evaluated: 2018-06-14. Review status: criteria provided, single submitter. Criteria: GeneDx Variant Classification (06012015). Collection method: clinical testing. Allele origin: germline. Affected: yes.
Comment: This variant is considered likely benign or benign based on one or more of the following criteria: it is a conservative change, it occurs at a poorly conserved position in the protein, it is predicted to be benign by multiple in silico algorithms, and/or has population frequency not consistent with disease.

NM_001985.3(ETFB):c.57+258A>G

Gene: ETFB (electron transfer flavoprotein subunit beta; minus strand). Cytogenetic location: 19q13.41.
Variant type: single nucleotide variant.
Coding change: c.57+258A>G on transcript NM_001985.3 (MANE Select); 258 bases into the intron after coding-DNA position 57, A replaced by G.
Molecular consequence: intron variant.
Genome position (GRCh38, 1-based): chr19:51,366,012, T>C on the plus strand (A>G on the coding strand, the complement: ETFB is on the minus strand). VCF-style: chr19-51366012-T-C. GRCh37 (hg19) VCF-style: chr19-51869266-T-C.
Identifiers: ClinVar variation 671076 (VCV000671076.1), dbSNP rs78954038, ClinGen allele CA309745967.